The following is an entry in ClinVar:

ClinVar aggregate classification (germline): Uncertain significance (1 of 4 stars; one submission).

Conditions:
Familial cancer of breast. Also called: Hereditary breast cancer; BREAST CANCER, FAMILIAL; hereditary breast carcinoma. Identifiers: Orphanet 227535, MedGen C0346153, MONDO:0016419, OMIM 114480. Disease mechanism: loss of function.

Submission:

Labcorp Genetics (formerly Invitae), Labcorp
Classification: Uncertain significance for Familial cancer of breast. Last evaluated: 2022-05-08. Review status: criteria provided, single submitter. Criteria: Invitae Variant Classification Sherloc (09022015). Collection method: clinical testing. Allele origin: germline.
Comment: This variant, c.96_98del, results in the deletion of 1 amino acid(s) of the CHEK2 protein (p.Ser33del), but otherwise preserves the integrity of the reading frame. In summary, the available evidence is currently insufficient to determine the role of this variant in disease. Therefore, it has been classified as a Variant of Uncertain Significance. Experimental studies and prediction algorithms are not available or were not evaluated, and the functional significance of this variant is currently unknown. This variant has not been reported in the literature in individuals affected with CHEK2-related conditions. This variant is present in population databases (no rsID available, gnomAD 0.006%).

NM_007194.4(CHEK2):c.90CTC[2] (p.Ser33del)

Gene: CHEK2 (checkpoint kinase 2; minus strand). Cytogenetic location: 22q12.1.
Variant type: Microsatellite.
Coding change: c.90CTC[2] on transcript NM_007194.4 (MANE Select); two copies in a row of the 3-base unit CTC starting at c.90; the reference has three copies in a row; one copy, 3 bases deleted.
Protein change: p.Ser33del; deletes serine 33.
Molecular consequence: inframe deletion. On other transcripts: inframe indel (3).
Genome position (GRCh38, 1-based): chr22:28,734,624-28,734,626, GAG deleted on the plus strand (CTC on the coding strand, the reverse complement: CHEK2 is on the minus strand); deleting any 3 consecutive bases within chr22:28,734,624-28,734,632 gives the same sequence; the position shown is the placement nearest the transcript's 3' end. VCF-style (leftmost placement, unchanged base first): chr22-28734623-TGAG-T. GRCh37 (hg19) VCF-style: chr22-29130611-TGAG-T.
Other names: c.90_92CTC[2], p.Ser33del (NM_001005735.3, NM_001349956.3, NM_145862.3); c.-688_-686CTC[2] (NM_001257387.3); short protein forms S33del.
Identifiers: ClinVar variation 1489012 (VCV001489012.9), dbSNP rs1569171353, ClinGen allele CA638954365.
Genomic context (GRCh38, chr22:28,734,623, plus strand): 5'-AGAGGACTGGCTGGAGTTTGGCATCGTGCTGGTAGAGGAGCTGGATATGCCCTGGGACTG[TGAG>T]GAGGAGCCTTGGGACTGGGTAACGCTGCCATGGGGCTGTGAACAGGCACTGCTGCCATGA-3'